The following is an entry in ClinVar:

NM_000038.6(APC):c.1409-143G>T

Gene: APC (APC regulator of WNT signaling pathway; plus strand). Cytogenetic location: 5q22.2.
Variant type: single nucleotide variant.
Coding change: c.1409-143G>T on transcript NM_000038.6 (MANE Select); 143 bases into the intron before coding-DNA position 1409, G replaced by T.
Molecular consequence: intron variant.
Genome position (GRCh38, 1-based): chr5:112,826,965, G>T. VCF-style: chr5-112826965-G-T. GRCh37 (hg19) VCF-style: chr5-112162662-G-T.
Other names: c.1409-143G>T (NM_001354895.2, NM_001127510.3); c.1439-143G>T (NM_001354897.2); c.1136-143G>T (NM_001354902.2); c.1355-143G>T (NM_001127511.3); c.1334-143G>T (NM_001354898.2); c.1031-143G>T (NM_001354904.2); c.560-143G>T (NM_001354906.2); c.1463-143G>T (NM_001354896.2); and 5 more.
Identifiers: ClinVar variation 82582 (VCV000082582.2), dbSNP rs77980903, ClinGen allele CA004989.

ClinVar aggregate classification (germline): other (0 of 4 stars; one submission).

Conditions:
Familial colorectal cancer. Identifiers: MedGen CN280943, MONDO:0023113. Disease mechanism: loss of function.

Allele frequency attached by ClinVar (database versions not stated): gnomAD exomes 0.00001.
gnomAD v4.1: 3 of 747,150 alleles (0.0004%); highest among the groups gnomAD compares: Non-Finnish European, 0.00065%; no homozygotes.

Submission:

Systems Biology Platform Zhejiang California International NanoSystems Institute
Classification: other for Familial colorectal cancer. Review status: no assertion criteria provided. Collection method: not provided. Allele origin: unknown.
ClinVar note: Converted during submission from cancer to other.